The following is an entry in ClinVar:

ClinVar aggregate classification (germline): Uncertain significance. Review status: criteria provided, multiple submitters, no conflicts (2 of 4 stars). 5 submissions from 5 submitters: Uncertain significance (5). Last evaluated 2026-06-11.

Conditions:
Hypokalemic periodic paralysis, type 1. Also called: Hypokalemic Periodic Paralysis Type 1 (AD); HypoPP. Identifiers: Orphanet 681, MedGen C3714580, MONDO:0042979, OMIM 170400.
Malignant hyperthermia, susceptibility to, 5 (MHS5). Also called: CACNA1S-Related Malignant Hyperthermia Susceptibility. Identifiers: Orphanet 423, MedGen C1866077, MONDO:0011163, OMIM 601887.
Inborn genetic diseases. Identifiers: MedGen C0950123, MeSH D030342.
Thyrotoxic periodic paralysis, susceptibility to, 1 (TTPP1). Identifiers: Orphanet 79102, MedGen C2749982, MONDO:0008570, OMIM 188580.
Congenital myopathy 18. Also called: DIHYDROPYRIDINE RECEPTOR CONGENITAL MYOPATHY; DHPR CONGENITAL MYOPATHY; Myopathy, congenital, due to dihydropyridine receptor defect. Identifiers: MedGen C5830283, MONDO:0859514, OMIM 620246.

Allele frequency attached by ClinVar (database versions not stated): gnomAD exomes 0.00002 and 0.00003; ExAC 0.00001; gnomAD 0.00002; TOPMed 0.00002.
gnomAD v4.1: 50 of 1,613,352 alleles (0.0031%); highest among the groups gnomAD compares: Non-Finnish European, 0.004%; no homozygotes.

Submissions (5):

Ambry Genetics
Classification: Uncertain significance for Inborn genetic diseases. Last evaluated: 2026-06-11. Review status: criteria provided, single submitter. Criteria: Ambry Variant Classification Scheme 2023. Collection method: clinical testing. Allele origin: germline.
Comment: The c.1120G>A (p.E374K) alteration is located in exon 8 (coding exon 8) of the CACNA1S gene. This alteration results from a G to A substitution at nucleotide position 1120, causing the glutamic acid (E) at amino acid position 374 to be replaced by a lysine (K). Based on data from gnomAD, the A allele has an overall frequency of 0.002% (5/282796) total alleles studied. The highest observed frequency was 0.014% (1/7222) of Other alleles. Based on insufficient or conflicting evidence, the clinical significance of this alteration remains unclear.

Labcorp Genetics (formerly Invitae), Labcorp
Classification: Uncertain significance for Hypokalemic periodic paralysis, type 1; Malignant hyperthermia, susceptibility to, 5. Last evaluated: 2025-01-15. Review status: criteria provided, single submitter. Criteria: Invitae Variant Classification Sherloc (09022015). Collection method: clinical testing. Allele origin: germline.
Comment: This sequence change replaces glutamic acid, which is acidic and polar, with lysine, which is basic and polar, at codon 374 of the CACNA1S protein (p.Glu374Lys). This variant is present in population databases (rs758280510, gnomAD 0.003%). This variant has not been reported in the literature in individuals affected with CACNA1S-related conditions. ClinVar contains an entry for this variant (Variation ID: 847551). Invitae Evidence Modeling of protein sequence and biophysical properties (such as structural, functional, and spatial information, amino acid conservation, physicochemical variation, residue mobility, and thermodynamic stability) has been performed for this missense variant. However, the output from this modeling did not meet the statistical confidence thresholds required to predict the impact of this variant on CACNA1S protein function. In summary, the available evidence is currently insufficient to determine the role of this variant in disease. Therefore, it has been classified as a Variant of Uncertain Significance.

Fulgent Genetics
Classification: Uncertain significance for Hypokalemic periodic paralysis, type 1; Thyrotoxic periodic paralysis, susceptibility to, 1; Malignant hyperthermia, susceptibility to, 5; Congenital myopathy 18. Last evaluated: 2024-04-22. Review status: criteria provided, single submitter. Criteria: ACMG Guidelines, 2015. Collection method: clinical testing. Allele origin: germline.

Color Diagnostics, LLC DBA Color Health
Classification: Uncertain significance for Malignant hyperthermia, susceptibility to, 5. Last evaluated: 2024-04-10. Review status: criteria provided, single submitter. Criteria: ACMG Guidelines, 2015. Collection method: clinical testing. Allele origin: germline.
Comment: This missense variant replaces glutamic acid with lysine at codon 374 of the CACNA1S protein. Computational prediction suggests that this variant may have deleterious impact on protein structure and function. To our knowledge, functional studies have not been reported for this variant. This variant has not been reported in individuals affected with CACNA1S-related disorders in the literature. This variant has been identified in 5/282796 chromosomes in the general population by the Genome Aggregation Database (gnomAD). The available evidence is insufficient to determine the role of this variant in disease conclusively. Therefore, this variant is classified as a Variant of Uncertain Significance.

Mayo Clinic Laboratories, Mayo Clinic
Classification: Uncertain significance. Last evaluated: 2024-02-28. Review status: criteria provided, single submitter. Criteria: ACMG Guidelines, 2015. Collection method: clinical testing. Allele origin: germline. Observed: 1 variant allele.
Comment: PP3

NM_000069.3(CACNA1S):c.1120G>A (p.Glu374Lys)

Gene: CACNA1S (calcium voltage-gated channel subunit alpha1 S; minus strand). Cytogenetic location: 1q32.1.
Variant type: single nucleotide variant.
Coding change: c.1120G>A on transcript NM_000069.3 (MANE Select); coding-DNA position 1120, G replaced by A.
Protein change: p.Glu374Lys; replaces glutamic acid 374 with lysine.
Molecular consequence: missense variant.
Genome position (GRCh38, 1-based): chr1:201,085,466, C>T on the plus strand (G>A on the coding strand, the complement: CACNA1S is on the minus strand). VCF-style: chr1-201085466-C-T. GRCh37 (hg19) VCF-style: chr1-201054594-C-T.
Other names: p.Glu374Lys; short protein forms E374K.
Identifiers: ClinVar variation 847551 (VCV000847551.13), dbSNP rs758280510, ClinGen allele CA077959.